The following is an entry in ClinVar:

ClinVar aggregate classification (germline): other (0 of 4 stars; one submission).

Conditions:
Familial colorectal cancer. Identifiers: MedGen CN280943, MONDO:0023113. Disease mechanism: loss of function.

Allele frequency attached by ClinVar (database versions not stated): gnomAD 0.01529 and 0.01548; 1000 Genomes Project 30x 0.03045; TOPMed 0.01749; 1000 Genomes Project 0.03115.
gnomAD v4.1: 2,334 of 151,690 alleles (1.5%); highest among the groups gnomAD compares: East Asian, 8%; 46 homozygotes.

Submission:

Systems Biology Platform Zhejiang California International NanoSystems Institute
Classification: other for Familial colorectal cancer. Review status: no assertion criteria provided. Collection method: not provided. Allele origin: unknown.
ClinVar note: Converted during submission from cancer to other.

NM_000038.6(APC):c.730-4028A>G

Gene: APC (APC regulator of WNT signaling pathway; plus strand). Cytogenetic location: 5q22.2.
Variant type: single nucleotide variant.
Coding change: c.730-4028A>G on transcript NM_000038.6 (MANE Select); 4028 bases into the intron before coding-DNA position 730, A replaced by G.
Molecular consequence: intron variant.
Genome position (GRCh38, 1-based): chr5:112,797,251, A>G. VCF-style: chr5-112797251-A-G. GRCh37 (hg19) VCF-style: chr5-112132948-A-G.
Other names: c.730-4028A>G (NM_001354895.2, NM_001127510.3, NM_001354896.2 and 1 more transcripts); c.760-4028A>G (NM_001354897.2, NM_001354902.2); c.676-4028A>G (NM_001127511.3); c.655-4028A>G (NM_001354898.2, NM_001354904.2); c.-306-4028A>G (NM_001354906.2); c.646-4028A>G (NM_001354899.2); c.553-4028A>G (NM_001354900.2, NM_001354901.2, NM_001354905.2).
Identifiers: ClinVar variation 82497 (VCV000082497.2), dbSNP rs76804542, ClinGen allele CA013588.
Genomic context (GRCh38, chr5:112,797,251, plus strand): 5'-ATTCTGATAGTTTGTAAATGTAAGCCAAAGGAAGGTGCCATTTCACATTTAAGAAAGAAC[A>G]AAACCACTTTTTACAATTTTGCCGTTTGTGGTTTGTTTATTGCATTATTTTATTCTTCTA-3'